The following is an entry in ClinVar:

NM_000288.4(PEX7):c.922G>T (p.Asp308Tyr)

Gene: PEX7 (peroxisomal biogenesis factor 7; plus strand). Cytogenetic location: 6q23.3.
Variant type: single nucleotide variant.
Coding change: c.922G>T on transcript NM_000288.4 (MANE Select); coding-DNA position 922, G replaced by T.
Protein change: p.Asp308Tyr; replaces aspartic acid 308 with tyrosine.
Molecular consequence: missense variant.
Genome position (GRCh38, 1-based): chr6:136,913,476, G>T. VCF-style: chr6-136913476-G-T. GRCh37 (hg19) VCF-style: chr6-137234614-G-T.
Other names: short protein forms D308Y.
Identifiers: ClinVar variation 430261 (VCV000430261.2), dbSNP rs1131691868, ClinGen allele CA365767241.

ClinVar aggregate classification (germline): Likely pathogenic (1 of 4 stars; one submission).

Submission:

GeneDx
Classification: Likely pathogenic. Last evaluated: 2015-12-08. Review status: criteria provided, single submitter. Criteria: GeneDx Variant Classification (06012015). Collection method: clinical testing. Allele origin: germline. Affected: yes.
Comment: The D308Y variant in the PEX7 gene has been reported previously in a research abstract as compound heterozygous with a pathogenic splice site variant in one individual with rhizomelic chondrodysplasia punctata type I (Onay et al., 2013). The D308Y variant was not observed in approximately 6500 individuals of European and African American ancestry in the NHLBI Exome Sequencing Project, indicating it is not a common benign variant in these populations. The D308Y variant is a non-conservative amino acid substitution, which is likely to impact secondary protein structure as these residues differ in polarity, charge, size and/or other properties. This substitution occurs at a position that is conserved across species. In silico analysis predicts this variant is probably damaging to the protein structure/function. Therefore, the D308Y variant is a strong candidate for a pathogenic variant.